The following is an entry in ClinVar:

NM_004168.4(SDHA):c.481A>G (p.Ser161Gly)

Gene: SDHA (succinate dehydrogenase complex flavoprotein subunit A; plus strand). Cytogenetic location: 5p15.33.
Variant type: single nucleotide variant.
Coding change: c.481A>G on transcript NM_004168.4 (MANE Select); coding-DNA position 481, A replaced by G.
Protein change: p.Ser161Gly; replaces serine 161 with glycine.
Molecular consequence: missense variant.
Genome position (GRCh38, 1-based): chr5:225,907, A>G. VCF-style: chr5-225907-A-G. GRCh37 (hg19) VCF-style: chr5-226022-A-G.
Other names: c.337A>G, p.Ser113Gly (NM_001294332.2); c.481A>G, p.Ser161Gly (NM_001330758.2); short protein forms S113G, S161G.
Identifiers: ClinVar variation 3752430 (VCV003752430.2).

ClinVar aggregate classification (germline): Uncertain significance (1 of 4 stars; one submission).

Conditions:
Mitochondrial complex II deficiency, nuclear type 1. Also called: SUCCINATE CoQ REDUCTASE DEFICIENCY. Identifiers: Orphanet 3208, MedGen C5700310, MONDO:0100294, OMIM 252011.
Pheochromocytoma/paraganglioma syndrome 5. Also called: Paragangliomas 5; SDHA-Related Hereditary Paraganglioma-Pheochromocytoma Syndrome. Identifiers: Orphanet 29072, MedGen C3279992, MONDO:0013602, OMIM 614165.

Submission:

Labcorp Genetics (formerly Invitae), Labcorp
Classification: Uncertain significance for Pheochromocytoma/paraganglioma syndrome 5; Mitochondrial complex II deficiency, nuclear type 1. Last evaluated: 2025-02-25. Review status: criteria provided, single submitter. Criteria: Invitae Variant Classification Sherloc (09022015). Collection method: clinical testing. Allele origin: germline.
Comment: This sequence change replaces serine, which is neutral and polar, with glycine, which is neutral and non-polar, at codon 161 of the SDHA protein (p.Ser161Gly). This variant is not present in population databases (gnomAD no frequency). This variant has not been reported in the literature in individuals affected with SDHA-related conditions. Invitae Evidence Modeling of protein sequence and biophysical properties (such as structural, functional, and spatial information, amino acid conservation, physicochemical variation, residue mobility, and thermodynamic stability) has been performed for this missense variant. However, the output from this modeling did not meet the statistical confidence thresholds required to predict the impact of this variant on SDHA protein function. In summary, the available evidence is currently insufficient to determine the role of this variant in disease. Therefore, it has been classified as a Variant of Uncertain Significance.